The following is an entry in ClinVar:

NM_173689.7(CRB2):c.2901G>A (p.Ala967=)

Gene: CRB2 (crumbs cell polarity complex component 2; plus strand). Cytogenetic location: 9q33.3.
Variant type: single nucleotide variant.
Coding change: c.2901G>A on transcript NM_173689.7 (MANE Select); coding-DNA position 2901, G replaced by A.
Protein change: p.Ala967=; no amino-acid change (alanine 967 retained).
Molecular consequence: synonymous variant. On other transcripts: non-coding transcript variant (1).
Genome position (GRCh38, 1-based): chr9:123,373,432, G>A. VCF-style: chr9-123373432-G-A. GRCh37 (hg19) VCF-style: chr9-126135711-G-A.
Identifiers: ClinVar variation 4981807 (VCV004981807.1).

ClinVar aggregate classification (germline): Likely benign (1 of 4 stars; one submission).

Conditions:
CRB2-related disorder. Also called: CRB2-related disorders; CRB2-related condition.

gnomAD v4.1: 357 of 1,447,984 alleles (0.025%); highest among the groups gnomAD compares: Non-Finnish European, 0.031%; no homozygotes.

Submission:

PreventionGenetics, part of Exact Sciences
Classification: Likely benign for CRB2-related condition. Last evaluated: 2026-09-01. Review status: criteria provided, single submitter. Criteria: ACMG Guidelines, 2015. Collection method: clinical testing. Allele origin: germline.
Comment: This variant is classified as likely benign based on ACMG/AMP sequence variant interpretation guidelines (Richards et al. 2015 PMID: 25741868, with internal and published modifications).